The following is an entry in ClinVar:

NM_000540.3(RYR1):c.14384G>A (p.Trp4795Ter)

Gene: RYR1 (ryanodine receptor 1; plus strand). Cytogenetic location: 19q13.2.
Variant type: single nucleotide variant.
Coding change: c.14384G>A on transcript NM_000540.3 (MANE Select); coding-DNA position 14384, G replaced by A.
Protein change: p.Trp4795Ter; replaces tryptophan 4795 with a stop codon.
Molecular consequence: nonsense.
Genome position (GRCh38, 1-based): chr19:38,580,001, G>A. VCF-style: chr19-38580001-G-A. GRCh37 (hg19) VCF-style: chr19-39070641-G-A.
Other names: c.14369G>A, p.Trp4790Ter (NM_001042723.2); short protein forms W4790*, W4795*.
Identifiers: ClinVar variation 2904708 (VCV002904708.3), dbSNP rs2514748395, ClinGen allele CA405686864.
Genomic context (GRCh38, chr19:38,580,001, plus strand): 5'-TCCCTGCCTTCCCCCTGACCCCTGGCCCTGTGTGCCCACAGTCCTTCCTGTACCTGGGCT[G>A]GTATATGGTGATGTCCCTCTTGGGACACTACAACAACTTCTTCTTTGCTGCCCATCTCCT-3'

ClinVar aggregate classification (germline): Pathogenic (1 of 4 stars; one submission).

Conditions:
RYR1-related disorder. Also called: RYR1-related condition; RYR1-related disorders. Identifiers: MedGen CN239331.

Submission:

Labcorp Genetics (formerly Invitae), Labcorp
Classification: Pathogenic for RYR1-related disorder. Last evaluated: 2023-10-15. Review status: criteria provided, single submitter. Criteria: Invitae Variant Classification Sherloc (09022015). Collection method: clinical testing. Allele origin: germline.
Comment: This sequence change creates a premature translational stop signal (p.Trp4795*) in the RYR1 gene. It is expected to result in an absent or disrupted protein product. Loss-of-function variants in RYR1 are known to be pathogenic (PMID: 23919265, 25960145, 28818389, 30611313). This variant is not present in population databases (gnomAD no frequency). This variant has not been reported in the literature in individuals affected with RYR1-related conditions. For these reasons, this variant has been classified as Pathogenic.

Literature cited by the submitters: PubMed 23919265; PubMed 25960145; PubMed 28818389; PubMed 30611313.